The following is an entry in ClinVar:

ClinVar aggregate classification (germline): Conflicting classifications of pathogenicity. Review status: criteria provided, conflicting classifications (1 of 4 stars). 8 submissions from 8 submitters: Uncertain significance (7); Likely benign (1). Last evaluated 2025-09-11.

Conditions:
Hereditary breast ovarian cancer syndrome. Also called: Hereditary breast and ovarian cancer syndrome (HBOC); Hereditary breast and ovarian cancer syndrome; Breast and ovarian cancer; BRCA1- and BRCA2-Associated Hereditary Breast and Ovarian Cancer; Hereditary breast and ovarian cancer; Hereditary breast and/or ovarian cancer syndrome. Identifiers: Orphanet 145, MedGen C0677776, MeSH D061325, MONDO:0003582. Disease mechanism: loss of function.
BRCA2-related cancer predisposition. Identifiers: MedGen CN377758, MONDO:0700269.
Hereditary cancer-predisposing syndrome. Also called: Neoplastic Syndromes, Hereditary; Hereditary Cancer Syndrome; Hereditary neoplastic syndrome; Tumor predisposition. Identifiers: Orphanet 140162, MedGen C0027672, MeSH D009386, MONDO:0015356.

Allele frequency attached by ClinVar (database versions not stated): gnomAD exomes below 0.00001.

Submissions (8):

Quest Diagnostics Nichols Institute San Juan Capistrano
Classification: Uncertain significance. Last evaluated: 2025-09-11. Review status: criteria provided, single submitter. Criteria: Quest Diagnostics criteria. Collection method: clinical testing. Allele origin: unknown.
Comment: The BRCA2 c.2922C>G (p.Asp974Glu) variant has been reported in the published literature to be located in a region of the BRCA2 gene that is tolerant to missense sequence changes (PMID: 31911673 (2020)). This variant has been reported to be a neutral variant based on in silico-based prediction algorithms (PMID: 29884841 (2019)). To the best of our knowledge, this variant has not been reported in individuals with BRCA2-related disorders. This variant has not been reported in large, multi-ethnic general populations (Genome Aggregation Database). Analysis of this variant using bioinformatics tools for the prediction of the effect of amino acid changes on protein structure and function yielded predictions that this variant is benign. Based on the available information, we are unable to determine the clinical significance of this variant.

Labcorp Genetics (formerly Invitae), Labcorp
Classification: Uncertain significance for Hereditary breast ovarian cancer syndrome. Last evaluated: 2025-08-24. Review status: criteria provided, single submitter. Criteria: Invitae Variant Classification Sherloc (09022015). Collection method: clinical testing. Allele origin: germline.
Comment: This sequence change replaces aspartic acid, which is acidic and polar, with glutamic acid, which is acidic and polar, at codon 974 of the BRCA2 protein (p.Asp974Glu). This variant is not present in population databases (gnomAD no frequency). This missense change has been observed in individual(s) with BRCA2-related conditions (PMID: 21520333). ClinVar contains an entry for this variant (Variation ID: 479294). Invitae Evidence Modeling of protein sequence and biophysical properties (such as structural, functional, and spatial information, amino acid conservation, physicochemical variation, residue mobility, and thermodynamic stability) indicates that this missense variant is not expected to disrupt BRCA2 protein function with a negative predictive value of 95%. In summary, the available evidence is currently insufficient to determine the role of this variant in disease. Therefore, it has been classified as a Variant of Uncertain Significance.

Ambry Genetics
Classification: Uncertain significance for Hereditary cancer-predisposing syndrome. Last evaluated: 2025-05-01. Review status: criteria provided, single submitter. Criteria: Ambry Variant Classification Scheme 2023. Collection method: clinical testing. Allele origin: germline.

GeneDx
Classification: Uncertain significance. Last evaluated: 2025-02-28. Review status: criteria provided, single submitter. Criteria: GeneDx Variant Classification Process June 2021. Collection method: clinical testing. Allele origin: germline. Affected: yes.
Comment: Not observed at significant frequency in large population cohorts (gnomAD); In silico analysis supports that this missense variant has a deleterious effect on protein structure/function; Has not been previously published as pathogenic or benign to our knowledge; Also known as 3150C>G

Women's Health and Genetics/Laboratory Corporation of America, LabCorp
Classification: Uncertain significance. Last evaluated: 2024-10-23. Review status: criteria provided, single submitter. Criteria: LabCorp Variant Classification Summary - May 2015. Collection method: clinical testing. Allele origin: germline.
Comment: Variant summary: BRCA2 c.2922C>G (p.Asp974Glu) results in a conservative amino acid change in the encoded protein sequence. Five of five in-silico tools predict a benign effect of the variant on protein function. The variant was absent in 249060 control chromosomes. The available data on variant occurrences in the general population are insufficient to allow any conclusion about variant significance. To our knowledge, no occurrence of c.2922C>G in individuals affected with Hereditary Breast And Ovarian Cancer Syndrome and no experimental evidence demonstrating its impact on protein function have been reported. ClinVar contains an entry for this variant (Variation ID: 479294). Based on the evidence outlined above, the variant was classified as uncertain significance.

All of Us Research Program, National Institutes of Health
Classification: Uncertain significance for BRCA2-related cancer predisposition. Last evaluated: 2024-04-16. Review status: criteria provided, single submitter. Criteria: ACMG Guidelines, 2015. Collection method: clinical testing. Allele origin: germline. Inheritance: Autosomal dominant inheritance. Observed: 1 variant allele, 1 heterozygote.
Comment: This missense variant replaces aspartic acid with glutamic acid at codon 974 of the BRCA2 protein. Computational prediction suggests that this variant may not impact protein structure and function (internally defined REVEL score threshold <= 0.5, PMID: 27666373). To our knowledge, functional studies have not been reported for this variant. This variant has been reported in an individual affected with breast cancer in the Leiden Open-source Variation Database. This variant has not been identified in the general population by the Genome Aggregation Database (gnomAD). The available evidence is insufficient to determine the role of this variant in disease conclusively. Therefore, this variant is classified as a Variant of Uncertain Significance.

This study involves interpretation of variants in research participants for the purpose of population health screening. Participant phenotype was not available at the time of variant classification. Additional details can be found in publication PMID: 35346344, PMCID: PMC8962531

Color Diagnostics, LLC DBA Color Health
Classification: Uncertain significance for Hereditary cancer-predisposing syndrome. Last evaluated: 2024-03-20. Review status: criteria provided, single submitter. Criteria: ACMG Guidelines, 2015. Collection method: clinical testing. Allele origin: germline.
Comment: This missense variant replaces aspartic acid with glutamic acid at codon 974 of the BRCA2 protein. Computational prediction suggests that this variant may not impact protein structure and function. To our knowledge, functional studies have not been reported for this variant. This variant has been reported in an individual affected with breast cancer in the Leiden Open-source Variation Database. This variant has not been identified in the general population by the Genome Aggregation Database (gnomAD). The available evidence is insufficient to determine the role of this variant in disease conclusively. Therefore, this variant is classified as a Variant of Uncertain Significance.

University of Washington Department of Laboratory Medicine, University of Washington
Classification: Likely benign for Hereditary cancer-predisposing syndrome. Last evaluated: 2023-03-23. Review status: criteria provided, single submitter. Criteria: Dines et al. (Genet Med. 2020). Collection method: curation. Allele origin: germline.
Comment: Missense variant in a coldspot region where missense variants are very unlikely to be pathogenic (PMID:31911673).

BRCA2 exon 11 coldspot. Reclassification based on statistical prior probability.

Literature cited by the submitters: PubMed 30702160 (cited by Quest Diagnostics Nichols Institute San Juan Capistrano); PubMed 29884841 (cited by Quest Diagnostics Nichols Institute San Juan Capistrano); PubMed 31911673 (cited by Quest Diagnostics Nichols Institute San Juan Capistrano); PubMed 21520333 (cited by Labcorp Genetics (formerly Invitae), Labcorp).

NM_000059.4(BRCA2):c.2922C>G (p.Asp974Glu)

Gene: BRCA2 (BRCA2 DNA repair associated; plus strand). Cytogenetic location: 13q13.1.
Variant type: single nucleotide variant.
Coding change: c.2922C>G on transcript NM_000059.4 (MANE Select); coding-DNA position 2922, C replaced by G.
Protein change: p.Asp974Glu; replaces aspartic acid 974 with glutamic acid.
Molecular consequence: missense variant.
Genome position (GRCh38, 1-based): chr13:32,337,277, C>G. VCF-style: chr13-32337277-C-G. GRCh37 (hg19) VCF-style: chr13-32911414-C-G.
Other names: short protein forms D974E.
Identifiers: ClinVar variation 479294 (VCV000479294.26), dbSNP rs929538989, ClinGen allele CA247503315.
Genomic context (GRCh38, chr13:32,337,277, plus strand): 5'-GAACAAAAATAGTGTAAAGCAGCATATAAAAATGACTCTAGGTCAAGATTTAAAATCGGA[C>G]ATCTCCTTGAATATAGATAAAATACCAGAAAAAAATAATGATTACATGAACAAATGGGCA-3'
Protein context (NP_000050.3, residues 964-984): KMTLGQDLKS[Asp974Glu]ISLNIDKIPE